The following is an entry in ClinVar:

ClinVar aggregate classification (germline): Uncertain significance (1 of 4 stars; one submission).

Conditions:
Inborn genetic diseases. Identifiers: MedGen C0950123, MeSH D030342.

Submission:

Ambry Genetics
Classification: Uncertain significance for Inborn genetic diseases. Last evaluated: 2024-11-25. Review status: criteria provided, single submitter. Criteria: Ambry Variant Classification Scheme 2023. Collection method: clinical testing. Allele origin: germline.
Comment: The p.A298T variant (also known as c.892G>A), located in coding exon 7 of the FANCG gene, results from a G to A substitution at nucleotide position 892. The alanine at codon 298 is replaced by threonine, an amino acid with similar properties. This amino acid position is conserved. In addition, this alteration is predicted to be tolerated by in silico analysis. Based on the available evidence, the clinical significance of this variant remains unclear.

NM_004629.2(FANCG):c.892G>A (p.Ala298Thr)

Gene: FANCG (FA complementation group G; minus strand). Cytogenetic location: 9p13.3.
Variant type: single nucleotide variant.
Coding change: c.892G>A on transcript NM_004629.2 (MANE Select); coding-DNA position 892, G replaced by A.
Protein change: p.Ala298Thr; replaces alanine 298 with threonine.
Molecular consequence: missense variant.
Genome position (GRCh38, 1-based): chr9:35,076,756, C>T on the plus strand (G>A on the coding strand, the complement: FANCG is on the minus strand). VCF-style: chr9-35076756-C-T. GRCh37 (hg19) VCF-style: chr9-35076753-C-T.
Other names: short protein forms A298T.
Identifiers: ClinVar variation 3512840 (VCV003512840.1).